The following is an entry in ClinVar:

ClinVar aggregate classification (germline): Uncertain significance (1 of 4 stars; one submission).

Conditions:
Myhre syndrome (MYHRS). Also called: LARYNGOTRACHEAL STENOSIS, ARTHROPATHY, PROGNATHISM, AND SHORT STATURE; LAPS SYNDROME. Identifiers: Orphanet 2588, MedGen C0796081, MONDO:0007688, OMIM 139210.

Submission:

Laboratorio de Genetica e Diagnostico Molecular, Hospital Israelita Albert Einstein
Classification: Uncertain significance for Myhre syndrome. Last evaluated: 2022-09-30. Review status: criteria provided, single submitter. Criteria: ACMG Guidelines, 2015. Collection method: clinical testing. Allele origin: germline. Affected: yes. Observed: 1 variant allele.
Comment: ACMG classification criteria: PM2 moderated

NM_005359.6(SMAD4):c.*1837C>T

Gene: SMAD4 (SMAD family member 4; plus strand). Cytogenetic location: 18q21.2.
Variant type: single nucleotide variant.
Coding change: c.*1837C>T on transcript NM_005359.6 (MANE Select); 1837 bases downstream of the stop codon, C replaced by T.
Molecular consequence: 3 prime UTR variant.
Genome position (GRCh38, 1-based): chr18:51,080,304, C>T. VCF-style: chr18-51080304-C-T. GRCh37 (hg19) VCF-style: chr18-48606674-C-T.
Other names: c.*1837C>T (NM_001407041.1, NM_001407042.1).
Identifiers: ClinVar variation 2431654 (VCV002431654.1), dbSNP rs2511392750, ClinGen allele CA2580095867.